The following is an entry in ClinVar:

NM_024741.3(ZNF408):c.2081C>A (p.Ala694Asp)

Gene: ZNF408 (zinc finger protein 408; plus strand). Cytogenetic location: 11p11.2.
Variant type: single nucleotide variant.
Coding change: c.2081C>A on transcript NM_024741.3 (MANE Select); coding-DNA position 2081, C replaced by A.
Protein change: p.Ala694Asp; replaces alanine 694 with aspartic acid.
Molecular consequence: missense variant.
Genome position (GRCh38, 1-based): chr11:46,705,781, C>A. VCF-style: chr11-46705781-C-A. GRCh37 (hg19) VCF-style: chr11-46727331-C-A.
Other names: c.2057C>A, p.Ala686Asp (NM_001184751.2); short protein forms A694D, A686D.
Identifiers: ClinVar variation 2088702 (VCV002088702.4), dbSNP rs1565696311, ClinGen allele CA380258149.
Genomic context (GRCh38, chr11:46,705,781, plus strand): 5'-TTGAGGTCACCATTTCAGAAAGCCAGGAGAAGTGCTTTGTGGTGCCAGAGGAGCCAGATG[C>A]CGCCCCCAGCCTGGTGCTAATCCATAAGGACATGGGCCTCGGCGCCTGGGCAGAGGTGGT-3'
Protein context (NP_079017.1, residues 684-704): KCFVVPEEPD[Ala694Asp]APSLVLIHKD

ClinVar aggregate classification (germline): Uncertain significance (1 of 4 stars; one submission).

Submission:

Labcorp Genetics (formerly Invitae), Labcorp
Classification: Uncertain significance. Last evaluated: 2024-02-24. Review status: criteria provided, single submitter. Criteria: Invitae Variant Classification Sherloc (09022015). Collection method: clinical testing. Allele origin: germline.
Comment: This sequence change replaces alanine, which is neutral and non-polar, with aspartic acid, which is acidic and polar, at codon 694 of the ZNF408 protein (p.Ala694Asp). This variant is not present in population databases (gnomAD no frequency). This variant has not been reported in the literature in individuals affected with ZNF408-related conditions. ClinVar contains an entry for this variant (Variation ID: 2088702). An algorithm developed to predict the effect of missense changes on protein structure and function (PolyPhen-2) suggests that this variant is likely to be tolerated. In summary, the available evidence is currently insufficient to determine the role of this variant in disease. Therefore, it has been classified as a Variant of Uncertain Significance.